The following is an entry in ClinVar:

ClinVar aggregate classification (germline): Conflicting classifications of pathogenicity. Review status: criteria provided, conflicting classifications (1 of 4 stars). 7 submissions from 7 submitters: Uncertain significance (2); Likely benign (4). 1 of the submissions does not count toward it. Last evaluated 2025-12-01.

Conditions:
Hereditary cancer-predisposing syndrome. Also called: Tumor predisposition; Hereditary Cancer Syndrome; Hereditary neoplastic syndrome; Neoplastic Syndromes, Hereditary. Identifiers: Orphanet 140162, MedGen C0027672, MeSH D009386, MONDO:0015356.
Hereditary breast ovarian cancer syndrome. Also called: Hereditary breast and ovarian cancer; Breast and ovarian cancer; BRCA1- and BRCA2-Associated Hereditary Breast and Ovarian Cancer; Hereditary breast and ovarian cancer syndrome; Hereditary breast and ovarian cancer syndrome (HBOC); Hereditary breast and/or ovarian cancer syndrome. Identifiers: Orphanet 145, MedGen C0677776, MeSH D061325, MONDO:0003582. Disease mechanism: loss of function.
Breast-ovarian cancer, familial, susceptibility to, 2 (BROVCA2). Also called: BRCA2 Hereditary Breast and Ovarian Cancer. Identifiers: Orphanet 145, MedGen C2675520, MONDO:0012933, OMIM 612555. Disease mechanism: loss of function.

Allele frequency attached by ClinVar (database versions not stated): ExAC below 0.00001; gnomAD exomes below 0.00001; TOPMed below 0.00001; gnomAD 0.00003.
gnomAD v4.1: 4 of 1,582,032 alleles (0.00025%); highest among the groups gnomAD compares: Non-Finnish European, 0.00035%; no homozygotes.

Submissions (7):

Labcorp Genetics (formerly Invitae), Labcorp
Classification: Likely benign for Hereditary breast ovarian cancer syndrome. Last evaluated: 2025-12-01. Review status: criteria provided, single submitter. Criteria: Invitae Variant Classification Sherloc (09022015). Collection method: clinical testing. Allele origin: germline.

Myriad Genetics, Inc.
Classification: Likely benign for Breast-ovarian cancer, familial, susceptibility to, 2. Last evaluated: 2025-09-19. Review status: criteria provided, single submitter. Criteria: Myriad Autosomal Dominant, Autosomal Recessive and X-Linked Classification Criteria (2023). Collection method: clinical testing. Allele origin: unknown.
Comment: This variant is considered likely benign. This variant is intronic and is not expected to impact mRNA splicing. This variant is strongly associated with less severe personal and family histories of cancer, typical for individuals without pathogenic variants in this gene [PMID: 25085752].

Women's Health and Genetics/Laboratory Corporation of America, LabCorp
Classification: Likely benign. Last evaluated: 2024-12-17. Review status: criteria provided, single submitter. Criteria: LabCorp Variant Classification Summary - May 2015. Collection method: clinical testing. Allele origin: germline.
Comment: Variant summary: BRCA2 c.632-13T>G alters a nucleotide located at a position not widely known to affect splicing. Consensus agreement among computation tools predict no significant impact on normal splicing. However, these predictions have yet to be confirmed by functional studies. The variant was absent in 239796 control chromosomes. The available data on variant occurrences in the general population are insufficient to allow any conclusion about variant significance. To our knowledge, no occurrence of c.632-13T>G in individuals affected with Hereditary Breast And Ovarian Cancer Syndrome and no experimental evidence demonstrating its impact on protein function have been reported. ClinVar contains an entry for this variant (Variation ID: 236890). Based on the evidence outlined above, the variant was classified as likely benign.

GeneDx
Classification: Uncertain significance. Last evaluated: 2024-04-09. Review status: criteria provided, single submitter. Criteria: GeneDx Variant Classification Process June 2021. Collection method: clinical testing. Allele origin: germline. Affected: yes.
Comment: Not observed at significant frequency in large population cohorts (gnomAD); In silico analysis indicates that this variant does not alter splicing; Has not been previously published as pathogenic or benign to our knowledge; Also known as 860-13T>G

Color Diagnostics, LLC DBA Color Health
Classification: Uncertain significance for Hereditary cancer-predisposing syndrome. Last evaluated: 2019-06-11. Review status: criteria provided, single submitter. Criteria: ACMG Guidelines, 2015. Collection method: clinical testing. Allele origin: germline.

PreventionGenetics, part of Exact Sciences
Classification: Likely benign. Last evaluated: 2017-08-28. Review status: criteria provided, single submitter. Criteria: ACMG Guidelines, 2015. Collection method: clinical testing. Allele origin: germline.

Counsyl
Classification: Likely benign for Breast-ovarian cancer, familial, susceptibility to, 2. Last evaluated: 2018-05-23. Review status: no assertion criteria provided. Collection method: clinical testing. Allele origin: unknown. Not counted in ClinVar's aggregate classification.

Literature cited by the submitters: PubMed 25085752 (cited by Myriad Genetics, Inc.); PubMed 25948282 (cited by Counsyl).

NM_000059.4(BRCA2):c.632-13T>G

Gene: BRCA2 (BRCA2 DNA repair associated; plus strand). Cytogenetic location: 13q13.1.
Variant type: single nucleotide variant.
Coding change: c.632-13T>G on transcript NM_000059.4 (MANE Select); 13 bases into the intron before coding-DNA position 632, T replaced by G.
Molecular consequence: intron variant.
Genome position (GRCh38, 1-based): chr13:32,329,430, T>G. VCF-style: chr13-32329430-T-G. GRCh37 (hg19) VCF-style: chr13-32903567-T-G.
Identifiers: ClinVar variation 236890 (VCV000236890.20), dbSNP rs775947267, ClinGen allele CA6940419.